The following is an entry in ClinVar:

ClinVar aggregate classification (germline): Likely benign (1 of 4 stars; one submission).

gnomAD v4.1: 12 of 1,614,020 alleles (0.00074%); highest among the groups gnomAD compares: African/African-American, 0.0013%; no homozygotes.

Submission:

CeGaT Center for Human Genetics Tuebingen
Classification: Likely benign. Last evaluated: 2024-08-01. Review status: criteria provided, single submitter. Criteria: CeGaT Center For Human Genetics Tuebingen Variant Classification Criteria Version 2. Collection method: clinical testing. Allele origin: germline. Affected: yes. Observed: 1 variant allele.
Comment: EBF3: BP4, BP7

NM_001375380.1(EBF3):c.318C>T (p.Asn106=)

Gene: EBF3 (EBF transcription factor 3; minus strand). Cytogenetic location: 10q26.3.
Variant type: single nucleotide variant.
Coding change: c.318C>T on transcript NM_001375380.1 (MANE Select); coding-DNA position 318, C replaced by T.
Protein change: p.Asn106=; no amino-acid change (asparagine 106 retained).
Molecular consequence: synonymous variant.
Genome position (GRCh38, 1-based): chr10:129,962,979, G>A on the plus strand (C>T on the coding strand, the complement: EBF3 is on the minus strand). VCF-style: chr10-129962979-G-A. GRCh37 (hg19) VCF-style: chr10-131761243-G-A.
Other names: c.318C>T, p.Asn106= (NM_001005463.3, NM_001375379.1, NM_001375389.1 and 3 more transcripts).
Identifiers: ClinVar variation 3341713 (VCV003341713.16).